The following is an entry in ClinVar:

NM_152703.5(SAMD9L):c.395A>G (p.Glu132Gly)

Gene: SAMD9L (sterile alpha motif domain containing 9 like; minus strand). Cytogenetic location: 7q21.2.
Variant type: single nucleotide variant.
Coding change: c.395A>G on transcript NM_152703.5 (MANE Select); coding-DNA position 395, A replaced by G.
Protein change: p.Glu132Gly; replaces glutamic acid 132 with glycine.
Molecular consequence: missense variant.
Genome position (GRCh38, 1-based): chr7:93,135,577, T>C on the plus strand (A>G on the coding strand, the complement: SAMD9L is on the minus strand). VCF-style: chr7-93135577-T-C. GRCh37 (hg19) VCF-style: chr7-92764890-T-C.
Other names: c.395A>G, p.Glu132Gly (NM_001303496.3, NM_001303497.3, NM_001303498.3 and 5 more transcripts); short protein forms E132G.
Identifiers: ClinVar variation 4694232 (VCV004694232.1).
Genomic context (GRCh38, chr7:93,135,577, plus strand): 5'-TTCTTGTGTTTAGCATTTGCTACTTCATCTAACACATTTTCTTTCATAAGAATTGATTCT[T>C]CTTGTTTGATATCTCTGATCTCTCTGGGATCATAATCAATATTAGATGACATTGAATTTT-3'
Protein context (NP_689916.2, residues 122-142): DPREIRDIKQ[Glu132Gly]ESILMKENVL

ClinVar aggregate classification (germline): Uncertain significance (1 of 4 stars; one submission).

Submission:

Labcorp Genetics (formerly Invitae), Labcorp
Classification: Uncertain significance. Last evaluated: 2025-10-09. Review status: criteria provided, single submitter. Criteria: Invitae Variant Classification Sherloc (09022015). Collection method: clinical testing. Allele origin: germline.
Comment: This sequence change replaces glutamic acid, which is acidic and polar, with glycine, which is neutral and non-polar, at codon 132 of the SAMD9L protein (p.Glu132Gly). This variant is not present in population databases (gnomAD no frequency). This variant has not been reported in the literature in individuals affected with SAMD9L-related conditions. An algorithm developed to predict the effect of missense changes on protein structure and function (PolyPhen-2) suggests that this variant is likely to be tolerated. In summary, the available evidence is currently insufficient to determine the role of this variant in disease. Therefore, it has been classified as a Variant of Uncertain Significance.